The following is an entry in ClinVar:

ClinVar aggregate classification (germline): Likely benign. Review status: criteria provided, multiple submitters, no conflicts (2 of 4 stars). 2 submissions from 2 submitters: Likely benign (2). Last evaluated 2025-08-15.

Allele frequency attached by ClinVar (database versions not stated): 1000 Genomes Project 30x 0.00031; 1000 Genomes Project 0.00040.
gnomAD v4.1: 153 of 1,610,828 alleles (0.0095%); highest among the groups gnomAD compares: South Asian, 0.074%; 3 homozygotes.

Submissions (2):

Labcorp Genetics (formerly Invitae), Labcorp
Classification: Likely benign. Last evaluated: 2025-08-15. Review status: criteria provided, single submitter. Criteria: Invitae Variant Classification Sherloc (09022015). Collection method: clinical testing. Allele origin: germline.

GeneDx
Classification: Likely benign. Last evaluated: 2017-01-26. Review status: criteria provided, single submitter. Criteria: GeneDx Variant Classification (06012015). Collection method: clinical testing. Allele origin: germline. Affected: yes.
Comment: This variant is considered likely benign or benign based on one or more of the following criteria: it is a conservative change, it occurs at a poorly conserved position in the protein, it is predicted to be benign by multiple in silico algorithms, and/or has population frequency not consistent with disease.

NM_006059.4(LAMC3):c.2308C>A (p.Arg770=)

Gene: LAMC3 (laminin subunit gamma 3; plus strand). Cytogenetic location: 9q34.12.
Variant type: single nucleotide variant.
Coding change: c.2308C>A on transcript NM_006059.4 (MANE Select); coding-DNA position 2308, C replaced by A.
Protein change: p.Arg770=; no amino-acid change (arginine 770 retained).
Molecular consequence: synonymous variant.
Genome position (GRCh38, 1-based): chr9:131,061,184, C>A. VCF-style: chr9-131061184-C-A. GRCh37 (hg19) VCF-style: chr9-133936571-C-A.
Identifiers: ClinVar variation 506916 (VCV000506916.6), dbSNP rs3739510, ClinGen allele CA5287381.